The following is an entry in ClinVar:

ClinVar aggregate classification (germline): Uncertain significance (1 of 4 stars; one submission).

Submission:

Labcorp Genetics (formerly Invitae), Labcorp
Classification: Uncertain significance. Last evaluated: 2024-03-07. Review status: criteria provided, single submitter. Criteria: Invitae Variant Classification Sherloc (09022015). Collection method: clinical testing. Allele origin: germline.
Comment: This sequence change replaces isoleucine, which is neutral and non-polar, with asparagine, which is neutral and polar, at codon 644 of the TNNI3K protein (p.Ile644Asn). This variant is not present in population databases (gnomAD no frequency). This variant has not been reported in the literature in individuals affected with TNNI3K-related conditions. An algorithm developed to predict the effect of missense changes on protein structure and function (PolyPhen-2) suggests that this variant is likely to be tolerated. In summary, the available evidence is currently insufficient to determine the role of this variant in disease. Therefore, it has been classified as a Variant of Uncertain Significance.

NM_015978.3(TNNI3K):c.1931T>A (p.Ile644Asn)

Genes: FPGT-TNNI3K (FPGT-TNNI3K readthrough; plus strand), TNNI3K (TNNI3 interacting kinase; plus strand). Cytogenetic location: 1p31.1.
Variant type: single nucleotide variant.
Coding change: c.1931T>A on transcript NM_015978.3 (MANE Select); coding-DNA position 1931, T replaced by A.
Protein change: p.Ile644Asn; replaces isoleucine 644 with asparagine.
Molecular consequence: missense variant.
Genome position (GRCh38, 1-based): chr1:74,439,542, T>A. VCF-style: chr1-74439542-T-A. GRCh37 (hg19) VCF-style: chr1-74905226-T-A.
Other names: c.2234T>A, p.Ile745Asn (NM_001112808.3, NM_001199327.2); short protein forms I745N, I644N.
Identifiers: ClinVar variation 3690718 (VCV003690718.2).
Genomic context (GRCh38, chr1:74,439,542, plus strand): 5'-ATGTGCAGAACCTCCGTTGGATGGCTCCTGAGGTGTTCACGCAGTGCACTCGGTACACCA[T>A]CAAAGCAGATGTCTTCAGCTATGCTCTGTGTCTGTGGGAAATTCTCACTGGCGAAATTCC-3'
Protein context (NP_057062.1, residues 634-654): EVFTQCTRYT[Ile644Asn]KADVFSYALC